The following is an entry in ClinVar:

NM_000334.4(SCN4A):c.4776G>A (p.Met1592Ile)

Genes: GH-LCR (growth hormone locus control region; plus strand), SCN4A (sodium voltage-gated channel alpha subunit 4; minus strand). Cytogenetic location: 17q23.3.
Variant type: single nucleotide variant.
Coding change: c.4776G>A on transcript NM_000334.4 (MANE Select); coding-DNA position 4776, G replaced by A.
Protein change: p.Met1592Ile; replaces methionine 1592 with isoleucine.
Molecular consequence: missense variant.
Genome position (GRCh38, 1-based): chr17:63,941,506, C>T on the plus strand (G>A on the coding strand, the complement: SCN4A is on the minus strand). VCF-style: chr17-63941506-C-T. GRCh37 (hg19) VCF-style: chr17-62018866-C-T.
Other names: short protein forms M1592I.
Identifiers: ClinVar variation 427072 (VCV000427072.9), dbSNP rs886041805, ClinGen allele CA400615002.
Genomic context (GRCh38, chr17:63,941,506, plus strand): 5'-AAGGGGCTCGCTGCTCTCCTCTGTGGCCACATTGAAGTTCTCCAGGATGATGGCGATGTA[C>T]ATGTTGACCACGATGAGGAAGGAGATGATGATATAGCTGCAGAAGAAGCAGATGCCGATG-3'
Protein context (NP_000325.4, residues 1582-1602): IIISFLIVVN[Met1592Ile]YIAIILENFN

ClinVar aggregate classification (germline): Pathogenic/Likely pathogenic. Review status: criteria provided, multiple submitters, no conflicts (2 of 4 stars). 3 submissions from 3 submitters: Pathogenic (1); Likely pathogenic (2). Last evaluated 2022-08-22.

Conditions:
Hyperkalemic periodic paralysis. Also called: Familial hyperkalemic periodic paralysis; Gamstorp disease. Identifiers: Orphanet 682, MedGen C0238357, MONDO:0008224, OMIM 170500, HP:0007215.
Hypokalemic periodic paralysis, type 1. Also called: Hypokalemic Periodic Paralysis Type 1 (AD); HypoPP. Identifiers: Orphanet 681, MedGen C3714580, MONDO:0042979, OMIM 170400.
Hypokalemic periodic paralysis, type 2 (HOKPP2). Identifiers: Orphanet 681, MedGen C2750061, MONDO:0013234, OMIM 613345.
Potassium-aggravated myotonia. Also called: MYOTONIA CONGENITA, ACETAZOLAMIDE-RESPONSIVE; MYOTONIA CONGENITA, ATYPICAL; SODIUM CHANNEL MUSCLE DISEASE; Myotonia congenita, atypical, acetazolamide-responsive. Identifiers: Orphanet 612, Orphanet 99734, Orphanet 99735, Orphanet 99736, MedGen C2931826, MONDO:0018959, OMIM 608390.
Congenital myasthenic syndrome 16. Identifiers: Orphanet 590, MedGen C3280112, MONDO:0013620, OMIM 614198.
Paramyotonia congenita of Von Eulenburg. Also called: Paramyotonia Congenita; Eulenburg disease; Myotonia congenita intermittens; Von Eulenburg paramyotonia congenita; PARALYSIS PERIODICA PARAMYOTONICA. Identifiers: Orphanet 684, MedGen C0221055, MONDO:0008195, OMIM 168300. Disease mechanism: loss of function.

Submissions (3):

Labcorp Genetics (formerly Invitae), Labcorp
Classification: Pathogenic for Hyperkalemic periodic paralysis. Last evaluated: 2022-08-22. Review status: criteria provided, single submitter. Criteria: Invitae Variant Classification Sherloc (09022015). Collection method: clinical testing. Allele origin: germline.
Comment: This missense change has been observed in individual(s) with clinical features of autosomal dominant SCN4A-related conditions (Invitae). In at least one individual the variant was observed to be de novo. For these reasons, this variant has been classified as Pathogenic. This variant disrupts the p.Met1592 amino acid residue in SCN4A. Other variant(s) that disrupt this residue have been determined to be pathogenic (PMID: 1659668, 8242056, 9131651, 18046642, 21665479, 23801527, 24714718, 24943082). This suggests that this residue is clinically significant, and that variants that disrupt this residue are likely to be disease-causing. Algorithms developed to predict the effect of missense changes on protein structure and function are either unavailable or do not agree on the potential impact of this missense change (SIFT: "Deleterious"; PolyPhen-2: "Probably Damaging"; Align-GVGD: "Class C0"). ClinVar contains an entry for this variant (Variation ID: 427072). This variant is not present in population databases (gnomAD no frequency). This sequence change replaces methionine, which is neutral and non-polar, with isoleucine, which is neutral and non-polar, at codon 1592 of the SCN4A protein (p.Met1592Ile).

Fulgent Genetics
Classification: Likely pathogenic for Paramyotonia congenita of Von Eulenburg; Hypokalemic periodic paralysis, type 1; Hyperkalemic periodic paralysis; Potassium-aggravated myotonia; Hypokalemic periodic paralysis, type 2; Congenital myasthenic syndrome 16. Last evaluated: 2018-10-31. Review status: criteria provided, single submitter. Criteria: ACMG Guidelines, 2015. Collection method: clinical testing. Allele origin: unknown.

GeneDx
Classification: Likely pathogenic. Last evaluated: 2015-07-02. Review status: criteria provided, single submitter. Criteria: GeneDx Variant Classification (06012015). Collection method: clinical testing. Allele origin: germline. Affected: yes.
Comment: The M1592I variant in the SCN4A gene has not been published as a pathogenic variant, nor has it been reported as a benign polymorphism to our knowledge. The M1592I variant was not observed in approximately 6,500 individuals of European and African American ancestry in the NHLBI Exome Sequencing Project, indicating it is not a common benign variant in these populations. The M1592I variant is a conservative amino acid substitution that occurs at a position that is conserved across species. In silico analysis predicts this variant is probably damaging to the protein structure/function. A missense variant at the same residue (M1592V) has been reported in the Human Gene Mutation Database in association with hyperkalemic periodic paralysis and another nearby missense variant (V1598M) has been reported in association with myotonia (Stenson et al., 2014), supporting the functional importance of this region of the protein. The M1592I variant is a strong candidate for a disease-causing variant

Literature cited by the submitters: PubMed 1659668 (cited by Labcorp Genetics (formerly Invitae), Labcorp); PubMed 8242056 (cited by Labcorp Genetics (formerly Invitae), Labcorp); PubMed 9131651 (cited by Labcorp Genetics (formerly Invitae), Labcorp); PubMed 18046642 (cited by Labcorp Genetics (formerly Invitae), Labcorp); PubMed 21665479 (cited by Labcorp Genetics (formerly Invitae), Labcorp); PubMed 23801527 (cited by Labcorp Genetics (formerly Invitae), Labcorp); PubMed 24714718 (cited by Labcorp Genetics (formerly Invitae), Labcorp); PubMed 24943082 (cited by Labcorp Genetics (formerly Invitae), Labcorp).